The following is an entry in ClinVar:

ClinVar aggregate classification (germline): Uncertain significance (1 of 4 stars; one submission).

Conditions:
Alagille syndrome due to a JAG1 point mutation. Also called: Alagille Syndrome 1; JAG1-Related Alagille Syndrome; HEPATIC DUCTULAR HYPOPLASIA, SYNDROMATIC. Identifiers: Orphanet 261619, Orphanet 52, MedGen C1956125, MONDO:0016862, OMIM 118450.

Allele frequency attached by ClinVar (database versions not stated): TOPMed below 0.00001; gnomAD 0.00001; gnomAD exomes 0.00001.
gnomAD v4.1: 13 of 1,614,064 alleles (0.00081%); highest among the groups gnomAD compares: Non-Finnish European, 0.0011%; no homozygotes.

Submission:

Labcorp Genetics (formerly Invitae), Labcorp
Classification: Uncertain significance for Alagille syndrome due to a JAG1 point mutation. Last evaluated: 2021-10-24. Review status: criteria provided, single submitter. Criteria: Invitae Variant Classification Sherloc (09022015). Collection method: clinical testing. Allele origin: germline.
Comment: In summary, the available evidence is currently insufficient to determine the role of this variant in disease. Therefore, it has been classified as a Variant of Uncertain Significance. Advanced modeling of protein sequence and biophysical properties (such as structural, functional, and spatial information, amino acid conservation, physicochemical variation, residue mobility, and thermodynamic stability) performed at Invitae indicates that this missense variant is not expected to disrupt JAG1 protein function. This variant has not been reported in the literature in individuals affected with JAG1-related conditions. This variant is not present in population databases (gnomAD no frequency). This sequence change replaces serine, which is neutral and polar, with phenylalanine, which is neutral and non-polar, at codon 1107 of the JAG1 protein (p.Ser1107Phe).

NM_000214.3(JAG1):c.3320C>T (p.Ser1107Phe)

Gene: JAG1 (jagged canonical Notch ligand 1; minus strand). Cytogenetic location: 20p12.2.
Variant type: single nucleotide variant.
Coding change: c.3320C>T on transcript NM_000214.3 (MANE Select); coding-DNA position 3320, C replaced by T.
Protein change: p.Ser1107Phe; replaces serine 1107 with phenylalanine.
Molecular consequence: missense variant.
Genome position (GRCh38, 1-based): chr20:10,639,835, G>A on the plus strand (C>T on the coding strand, the complement: JAG1 is on the minus strand). VCF-style: chr20-10639835-G-A. GRCh37 (hg19) VCF-style: chr20-10620483-G-A.
Other names: short protein forms S1107F.
Identifiers: ClinVar variation 1523248 (VCV001523248.6), dbSNP rs142294152, ClinGen allele CA311367482.